The following is an entry in ClinVar:

NM_152467.5(KLHL10):c.985C>T (p.Arg329Cys)

Gene: KLHL10 (kelch like family member 10; plus strand). Cytogenetic location: 17q21.2.
Variant type: single nucleotide variant.
Coding change: c.985C>T on transcript NM_152467.5 (MANE Select); coding-DNA position 985, C replaced by T.
Protein change: p.Arg329Cys; replaces arginine 329 with cysteine.
Molecular consequence: missense variant.
Genome position (GRCh38, 1-based): chr17:41,845,426, C>T. VCF-style: chr17-41845426-C-T. GRCh37 (hg19) VCF-style: chr17-40001678-C-T.
Other names: c.985C>T, p.Arg329Cys (NM_001329595.1); c.721C>T, p.Arg241Cys (NM_001329596.2); short protein forms R241C, R329C.
Identifiers: ClinVar variation 996145 (VCV000996145.2), dbSNP rs782565913, ClinGen allele CA8567305.

ClinVar aggregate classification (germline): Pathogenic (0 of 4 stars; one submission).

Conditions:
Spermatogenic failure 11 (SPGF11). Identifiers: MedGen C3554453, MONDO:0014037, OMIM 615081.

Allele frequency attached by ClinVar (database versions not stated): ExAC 0.00002; gnomAD exomes 0.00001; gnomAD 0.00001; TOPMed 0.00003.
gnomAD v4.1: 14 of 1,614,038 alleles (0.00087%); highest among the groups gnomAD compares: East Asian, 0.0045%; no homozygotes.

Submission:

Diagnostic Laboratory, Strasbourg University Hospital
Classification: Pathogenic for Spermatogenic failure 11. Last evaluated: 2021-02-09. Review status: no assertion criteria provided. Collection method: clinical testing. Allele origin: unknown. Inheritance: Autosomal dominant inheritance. Affected: yes. Observed: 1 variant allele, 1 heterozygote.
Comment: The identified variation is in the conserved Kelch1 domain. Heterozygous KLHL10 gene mutations have been identified in oligospermic and azoospermic patients.